The following is an entry in ClinVar:

NM_002529.4(NTRK1):c.818G>A (p.Arg273Gln)

Gene: NTRK1 (neurotrophic receptor tyrosine kinase 1; plus strand). Cytogenetic location: 1q23.1.
Variant type: single nucleotide variant.
Coding change: c.818G>A on transcript NM_002529.4 (MANE Select); coding-DNA position 818, G replaced by A.
Protein change: p.Arg273Gln; replaces arginine 273 with glutamine.
Molecular consequence: missense variant.
Genome position (GRCh38, 1-based): chr1:156,871,723, G>A. VCF-style: chr1-156871723-G-A. GRCh37 (hg19) VCF-style: chr1-156841515-G-A.
Other names: p.Arg273Gln; c.728G>A, p.Arg243Gln (NM_001007792.1); c.818G>A, p.Arg273Gln (NM_001012331.2); short protein forms R243Q, R273Q.
Identifiers: ClinVar variation 968061 (VCV000968061.13), dbSNP rs200305545, ClinGen allele CA1169102.
Genomic context (GRCh38, chr1:156,871,723, plus strand): 5'-ATGTCACCAGTGACCTCAACAGGAAGAACGTGACGTGCTGGGCAGAGAACGATGTGGGCC[G>A]GGCAGAGGTCTCTGTTCAGGTCAACGTCTCCTGTGAGTCTCAGTGGCAGCTCCGGCACCC-3'
Protein context (NP_002520.2, residues 263-283): VTCWAENDVG[Arg273Gln]AEVSVQVNVS

ClinVar aggregate classification (germline): Conflicting classifications of pathogenicity. Review status: criteria provided, conflicting classifications (1 of 4 stars). 5 submissions from 5 submitters: Uncertain significance (3); Likely benign (1). 1 of the submissions does not count toward it. Last evaluated 2025-06-29.

Conditions:
Hereditary insensitivity to pain with anhidrosis (CIPA). Also called: NEUROPATHY, CONGENITAL SENSORY, WITH ANHIDROSIS; hereditary sensory and autonomic neuropathy type 4; INSENSITIVITY TO PAIN, CONGENITAL, WITH ANHIDROSIS; HSAN Type IV; FAMILIAL DYSAUTONOMIA, TYPE II; NTRK1 Congenital Insensitivity to Pain with Anhidrosis. Identifiers: Orphanet 642, MedGen C0020074, MONDO:0009746, OMIM 256800.

Allele frequency attached by ClinVar (database versions not stated): gnomAD 0.00004 and 0.00005; TOPMed 0.00006; ExAC 0.00007; gnomAD exomes 0.00008; 1000 Genomes Project 30x 0.00016; 1000 Genomes Project 0.00020.
gnomAD v4.1: 53 of 1,614,172 alleles (0.0033%); highest among the groups gnomAD compares: East Asian, 0.051%; no homozygotes.

Submissions (5):

Labcorp Genetics (formerly Invitae), Labcorp
Classification: Likely benign for Hereditary insensitivity to pain with anhidrosis. Last evaluated: 2025-06-29. Review status: criteria provided, single submitter. Criteria: Invitae Variant Classification Sherloc (09022015). Collection method: clinical testing. Allele origin: germline.

Mayo Clinic Laboratories, Mayo Clinic
Classification: Uncertain significance. Last evaluated: 2024-06-25. Review status: criteria provided, single submitter. Criteria: ACMG Guidelines, 2015. Collection method: clinical testing. Allele origin: germline. Observed: 1 variant allele.
Comment: BP4

Department of Pathology and Laboratory Medicine, Sinai Health System
Classification: Uncertain significance for Hereditary insensitivity to pain with anhidrosis. Last evaluated: 2022-11-15. Review status: criteria provided, single submitter. Criteria: ACMG Guidelines, 2015. Collection method: research. Allele origin: germline.

Baylor Genetics
Classification: Uncertain significance for Hereditary insensitivity to pain with anhidrosis. Last evaluated: 2019-02-21. Review status: criteria provided, single submitter. Criteria: ACMG Guidelines, 2015. Collection method: clinical testing. Allele origin: paternal. Affected: yes. Study: CSER-TexasKidsCanSeq.
Comment: This variant was determined to be of uncertain significance according to ACMG Guidelines, 2015 [PMID:25741868].

Natera, Inc.
Classification: Uncertain significance for Hereditary insensitivity to pain with anhidrosis. Last evaluated: 2020-01-24. Review status: no assertion criteria provided. Collection method: clinical testing. Allele origin: germline. Not counted in ClinVar's aggregate classification.